The following is an entry in ClinVar:

ClinVar aggregate classification (germline): Uncertain significance (1 of 4 stars; one submission).

Allele frequency attached by ClinVar (database versions not stated): gnomAD 0.00001; ExAC 0.00002; TOPMed 0.00002.
gnomAD v4.1: 41 of 1,611,344 alleles (0.0025%); highest among the groups gnomAD compares: Non-Finnish European, 0.0034%; no homozygotes.

Submission:

Ambry Genetics
Classification: Uncertain significance. Last evaluated: 2023-09-22. Review status: criteria provided, single submitter. Criteria: Ambry Variant Classification Scheme 2023. Collection method: clinical testing. Allele origin: germline.
Comment: The c.2038G>A (p.V680I) alteration is located in exon (coding exon ) of the SH3RF3 gene. This alteration results from a G to A substitution at nucleotide position 2038, causing the valine (V) at amino acid position 680 to be replaced by an isoleucine (I). Based on insufficient or conflicting evidence, the clinical significance of this alteration remains unclear.

NM_001099289.3(SH3RF3):c.2038G>A (p.Val680Ile)

Genes: RANBP2 (RAN binding protein 2; plus strand), SH3RF3 (SH3 domain containing ring finger 3; plus strand). Cytogenetic location: 2q13.
Variant type: single nucleotide variant.
Coding change: c.2038G>A on transcript NM_001099289.3 (MANE Select); coding-DNA position 2038, G replaced by A.
Protein change: p.Val680Ile; replaces valine 680 with isoleucine.
Molecular consequence: missense variant.
Genome position (GRCh38, 1-based): chr2:109,449,379, G>A. VCF-style: chr2-109449379-G-A. GRCh37 (hg19) VCF-style: chr2-110065835-G-A.
Other names: short protein forms V680I.
Identifiers: ClinVar variation 3161416 (VCV003161416.1), dbSNP rs769483783, ClinGen allele CA1825823.